The following is an entry in ClinVar:

NM_139215.3(TAF15):c.67C>G (p.Pro23Ala)

Gene: TAF15 (TATA-box binding protein associated factor 15; plus strand). Cytogenetic location: 17q12.
Variant type: single nucleotide variant.
Coding change: c.67C>G on transcript NM_139215.3 (MANE Select); coding-DNA position 67, C replaced by G.
Protein change: p.Pro23Ala; replaces proline 23 with alanine.
Molecular consequence: missense variant.
Genome position (GRCh38, 1-based): chr17:35,820,043, C>G. VCF-style: chr17-35820043-C-G. GRCh37 (hg19) VCF-style: chr17-34147047-C-G.
Other names: c.67C>G, p.Pro23Ala (NM_003487.4); short protein forms P23A.
Identifiers: ClinVar variation 5008574 (VCV005008574.1).

ClinVar aggregate classification (germline): Uncertain significance (1 of 4 stars; one submission).

Submission:

GeneDx
Classification: Uncertain significance. Last evaluated: 2026-03-10. Review status: criteria provided, single submitter. Criteria: GeneDx Variant Classification Process June 2021. Collection method: clinical testing. Allele origin: germline.
Comment: Not observed at significant frequency in large population cohorts (gnomAD); In silico analysis supports that this missense variant has a deleterious effect on protein structure/function; Has not been previously published as pathogenic or benign to our knowledge